The following is an entry in ClinVar:

ClinVar aggregate classification (germline): Uncertain significance (1 of 4 stars; one submission).

Conditions:
Inborn genetic diseases. Identifiers: MedGen C0950123, MeSH D030342.

gnomAD v4.1: 1 of 1,612,314 alleles (0.000062%); highest among the groups gnomAD compares: Non-Finnish European, 0.000085%; no homozygotes.

Submission:

Ambry Genetics
Classification: Uncertain significance for Inborn genetic diseases. Last evaluated: 2025-12-31. Review status: criteria provided, single submitter. Criteria: Ambry Variant Classification Scheme 2023. Collection method: clinical testing. Allele origin: germline.
Comment: The c.88G>T (p.V30L) alteration is located in exon 1 (coding exon 1) of the GNAT1 gene. This alteration results from a G to T substitution at nucleotide position 88, causing the valine (V) at amino acid position 30 to be replaced by a leucine (L). Based on data from gnomAD, the T allele has an overall frequency of <0.001% (1/250190) total alleles studied. The highest observed frequency was 0.001% (1/112874) of European (non-Finnish) alleles. Based on insufficient or conflicting evidence, the clinical significance of this alteration remains unclear.

NM_144499.3(GNAT1):c.88G>T (p.Val30Leu)

Gene: GNAT1 (G protein subunit alpha transducin 1; plus strand). Cytogenetic location: 3p21.31.
Variant type: single nucleotide variant.
Coding change: c.88G>T on transcript NM_144499.3 (MANE Select); coding-DNA position 88, G replaced by T.
Protein change: p.Val30Leu; replaces valine 30 with leucine.
Molecular consequence: missense variant.
Genome position (GRCh38, 1-based): chr3:50,191,813, G>T. VCF-style: chr3-50191813-G-T. GRCh37 (hg19) VCF-style: chr3-50229246-G-T.
Other names: c.88G>T, p.Val30Leu (NM_000172.4); short protein forms V30L.
Identifiers: ClinVar variation 4838963 (VCV004838963.1).
Genomic context (GRCh38, chr3:50,191,813, plus strand): 5'-AAGCACTCCAGGGAGCTGGAAAAGAAGCTGAAAGAGGACGCTGAGAAGGATGCTCGAACC[G>T]TGAAGCTGCTGCTTCTGGGTAGGGGTGTGGGCCCAGGTGGGGCCACTGCCACCAGGTCAT-3'
Protein context (NP_653082.1, residues 20-40): KEDAEKDART[Val30Leu]KLLLLGAGES